The following is an entry in ClinVar:

NM_001145860.2(POP1):c.1205A>T (p.Asp402Val)

Gene: POP1 (POP1 ribonuclease P/MRP subunit; plus strand). Cytogenetic location: 8q22.2.
Variant type: single nucleotide variant.
Coding change: c.1205A>T on transcript NM_001145860.2 (MANE Select); coding-DNA position 1205, A replaced by T.
Protein change: p.Asp402Val; replaces aspartic acid 402 with valine.
Molecular consequence: missense variant.
Genome position (GRCh38, 1-based): chr8:98,136,675, A>T. VCF-style: chr8-98136675-A-T. GRCh37 (hg19) VCF-style: chr8-99148903-A-T.
Other names: c.1205A>T, p.Asp402Val (NM_001145861.2, NM_015029.3); short protein forms D402V.
Identifiers: ClinVar variation 2050854 (VCV002050854.4), dbSNP rs369697833, ClinGen allele CA371792835.

ClinVar aggregate classification (germline): Uncertain significance (1 of 4 stars; one submission).

gnomAD v4.1: 3 of 1,612,862 alleles (0.00019%); highest among the groups gnomAD compares: African/African-American, 0.0027%; no homozygotes.

Submission:

Labcorp Genetics (formerly Invitae), Labcorp
Classification: Uncertain significance. Last evaluated: 2022-03-12. Review status: criteria provided, single submitter. Criteria: Invitae Variant Classification Sherloc (09022015). Collection method: clinical testing. Allele origin: germline.
Comment: This variant has not been reported in the literature in individuals affected with POP1-related conditions. In summary, the available evidence is currently insufficient to determine the role of this variant in disease. Therefore, it has been classified as a Variant of Uncertain Significance. Algorithms developed to predict the effect of missense changes on protein structure and function are either unavailable or do not agree on the potential impact of this missense change (SIFT: "Deleterious"; PolyPhen-2: "Probably Damaging"; Align-GVGD: "Class C0"). This variant is not present in population databases (gnomAD no frequency). This sequence change replaces aspartic acid, which is acidic and polar, with valine, which is neutral and non-polar, at codon 402 of the POP1 protein (p.Asp402Val).